The following is an entry in ClinVar:

ClinVar aggregate classification (germline): Uncertain significance (1 of 4 stars; one submission).

Conditions:
LAMA2-related disorder. Also called: LAMA2-related disorders; LAMA2-related condition.

Submission:

PreventionGenetics, part of Exact Sciences
Classification: Uncertain significance for LAMA2-related condition. Last evaluated: 2026-06-02. Review status: criteria provided, single submitter. Criteria: ACMG Guidelines, 2015. Collection method: clinical testing. Allele origin: germline.
Comment: The LAMA2 c.6712G>A variant is predicted to result in the amino acid substitution p.Gly2238Arg. To our knowledge, this variant has not been reported in the literature or in a large population database (gnomAD), indicating this variant is rare. At this time, the clinical significance of this variant is uncertain due to the absence of conclusive functional and genetic evidence.

NM_000426.4(LAMA2):c.6712G>A (p.Gly2238Arg)

Gene: LAMA2 (laminin subunit alpha 2; plus strand). Cytogenetic location: 6q22.33.
Variant type: single nucleotide variant.
Coding change: c.6712G>A on transcript NM_000426.4 (MANE Select); coding-DNA position 6712, G replaced by A.
Protein change: p.Gly2238Arg; replaces glycine 2238 with arginine.
Molecular consequence: missense variant.
Genome position (GRCh38, 1-based): chr6:129,456,339, G>A. VCF-style: chr6-129456339-G-A. GRCh37 (hg19) VCF-style: chr6-129777484-G-A.
Other names: c.6712G>A, p.Gly2238Arg (NM_001079823.2); short protein forms G2238R.
Identifiers: ClinVar variation 4991857 (VCV004991857.1).